The following is an entry in ClinVar:

ClinVar aggregate classification (germline): Uncertain significance. Review status: criteria provided, multiple submitters, no conflicts (2 of 4 stars). 2 submissions from 2 submitters: Uncertain significance (2). Last evaluated 2025-12-16.

gnomAD v4.1: 4 of 1,613,732 alleles (0.00025%); highest among the groups gnomAD compares: South Asian, 0.0011%; no homozygotes.

Submissions (2):

Labcorp Genetics (formerly Invitae), Labcorp
Classification: Uncertain significance. Last evaluated: 2025-12-16. Review status: criteria provided, single submitter. Criteria: Invitae Variant Classification Sherloc (09022015). Collection method: clinical testing. Allele origin: germline.
Comment: This sequence change replaces arginine, which is basic and polar, with glutamine, which is neutral and polar, at codon 733 of the OPA1 protein (p.Arg733Gln). This variant is present in population databases (no rsID available, gnomAD 0.003%). This variant has not been reported in the literature in individuals affected with OPA1-related conditions. Invitae Evidence Modeling of protein sequence and biophysical properties (such as structural, functional, and spatial information, amino acid conservation, physicochemical variation, residue mobility, and thermodynamic stability) indicates that this missense variant is not expected to disrupt OPA1 protein function with a negative predictive value of 80%. In summary, the available evidence is currently insufficient to determine the role of this variant in disease. Therefore, it has been classified as a Variant of Uncertain Significance.

Blueprint Genetics
Classification: Uncertain significance. Last evaluated: 2021-09-28. Review status: criteria provided, single submitter. Criteria: ACMG Guidelines, 2015. Collection method: clinical testing. Allele origin: germline.

NM_130837.3(OPA1):c.2363G>A (p.Arg788Gln)

Gene: OPA1 (OPA1 mitochondrial dynamin like GTPase; plus strand). Cytogenetic location: 3q29.
Variant type: single nucleotide variant.
Coding change: c.2363G>A on transcript NM_130837.3 (MANE Select); coding-DNA position 2363, G replaced by A.
Protein change: p.Arg788Gln; replaces arginine 788 with glutamine.
Molecular consequence: missense variant.
Genome position (GRCh38, 1-based): chr3:193,658,918, G>A. VCF-style: chr3-193658918-G-A. GRCh37 (hg19) VCF-style: chr3-193376707-G-A.
Other names: c.1829G>A, p.Arg610Gln (NM_001354663.2); c.1826G>A, p.Arg609Gln (NM_001354664.2); c.2198G>A, p.Arg733Gln (NM_015560.3); c.2090G>A, p.Arg697Gln (NM_130831.3); c.2144G>A, p.Arg715Gln (NM_130832.3); c.2201G>A, p.Arg734Gln (NM_130833.3); c.2252G>A, p.Arg751Gln (NM_130834.3); c.2255G>A, p.Arg752Gln (NM_130835.3); and 1 more; short protein forms R610Q, R697Q, R770Q, R788Q, R715Q, R734Q, R751Q, R609Q.
Identifiers: ClinVar variation 4694655 (VCV004694655.2).